The following is an entry in ClinVar:

NM_014908.4(DOLK):c.1079A>G (p.Tyr360Cys)

Gene: DOLK (dolichol kinase; minus strand). Cytogenetic location: 9q34.11.
Variant type: single nucleotide variant.
Coding change: c.1079A>G on transcript NM_014908.4 (MANE Select); coding-DNA position 1079, A replaced by G.
Protein change: p.Tyr360Cys; replaces tyrosine 360 with cysteine.
Molecular consequence: missense variant.
Genome position (GRCh38, 1-based): chr9:128,946,225, T>C on the plus strand (A>G on the coding strand, the complement: DOLK is on the minus strand). VCF-style: chr9-128946225-T-C. GRCh37 (hg19) VCF-style: chr9-131708504-T-C.
Other names: short protein forms Y360C.
Identifiers: ClinVar variation 227331 (VCV000227331.52), dbSNP rs138453255, ClinGen allele CA5271636.
Genomic context (GRCh38, chr9:128,946,225, plus strand): 5'-CGGAAGTAGCGCACATACTCCAGGAAGATGAAGACCGCCAGGCATACAGTGGCGGCTACA[T>C]AGAGCAGTGGCCGGTCAAAGATGATACCTGGGATGTAGGTGGCTACCACAATGAGGTGGA-3'
Protein context (NP_055723.1, residues 350-370): PGIIFDRPLL[Tyr360Cys]VAATVCLAVF

ClinVar aggregate classification (germline): Conflicting classifications of pathogenicity. Review status: criteria provided, conflicting classifications (1 of 4 stars). 11 submissions from 11 submitters: Uncertain significance (1); Likely benign (9). 1 of the submissions does not count toward it. Last evaluated 2026-07-01.

Conditions:
Cardiovascular phenotype. Identifiers: MedGen CN230736.
DOLK-related disorder. Also called: DOLK-related condition.
DK1-congenital disorder of glycosylation. Also called: CONGENITAL DISORDER OF GLYCOSYLATION, TYPE Im; CDG Im; DK1 DEFICIENCY; DOLICHOL KINASE DEFICIENCY; DK1-CDG; DOLK-congenital disorder of glycosylation. Identifiers: Orphanet 91131, MedGen C1835849, MONDO:0012556, OMIM 610768.

Allele frequency attached by ClinVar (database versions not stated): ESP Exome Variant Server 0.00062; 1000 Genomes Project 30x 0.00078; 1000 Genomes Project 0.00080; gnomAD exomes 0.00081 and 0.00148; gnomAD 0.00089 and 0.00111; TOPMed 0.00137; ExAC 0.00149.

Submissions (11):

CeGaT Center for Human Genetics Tuebingen
Classification: Likely benign. Last evaluated: 2026-07-01. Review status: criteria provided, single submitter. Criteria: CeGaT Center For Human Genetics Tuebingen Variant Classification Criteria Version 2. Collection method: clinical testing. Allele origin: germline. Affected: yes. Observed: 5 variant alleles.
Comment: DOLK: BP4

Labcorp Genetics (formerly Invitae), Labcorp
Classification: Likely benign for DK1-congenital disorder of glycosylation. Last evaluated: 2026-02-01. Review status: criteria provided, single submitter. Criteria: Invitae Variant Classification Sherloc (09022015). Collection method: clinical testing. Allele origin: germline.

Women's Health and Genetics/Laboratory Corporation of America, LabCorp
Classification: Likely benign. Last evaluated: 2025-07-07. Review status: criteria provided, single submitter. Criteria: LabCorp Variant Classification Summary - May 2015. Collection method: clinical testing. Allele origin: germline.
Comment: Variant summary: DOLK c.1079A>G (p.Tyr360Cys) results in a non-conservative amino acid change in the encoded protein sequence. Algorithms developed to predict the effect of missense changes on protein structure and function are either unavailable or do not agree on the potential impact of this missense change. The variant allele was found at a frequency of 0.0015 in 251306 control chromosomes in the gnomAD database, including 2 homozygotes. The observed variant frequency is approximately 1.32 fold of the estimated maximal expected allele frequency for a pathogenic variant in DOLK causing DK1-Congenital Disorder Of Glycosylation phenotype (0.0011). To our knowledge, no occurrence of c.1079A>G in individuals affected with DK1-Congenital Disorder Of Glycosylation and no experimental evidence demonstrating its impact on protein function have been reported. ClinVar contains an entry for this variant (Variation ID: 227331). Based on the evidence outlined above, the variant was classified as likely benign.

Molecular Diagnostic Laboratory for Inherited Cardiovascular Disease, Montreal Heart Institute
Classification: Likely benign. Last evaluated: 2025-04-09. Review status: criteria provided, single submitter. Criteria: ACMG Guidelines, 2015. Collection method: clinical testing. Allele origin: germline. Affected: no.

Mayo Clinic Laboratories, Mayo Clinic
Classification: Likely benign. Last evaluated: 2025-04-08. Review status: criteria provided, single submitter. Criteria: ACMG Guidelines, 2015. Collection method: clinical testing. Allele origin: germline. Observed: 4 variant alleles.
Comment: BS1, BS2_supporting

Blueprint Genetics
Classification: Likely benign. Last evaluated: 2024-11-22. Review status: criteria provided, single submitter. Criteria: ACMG Guidelines, 2015. Collection method: clinical testing. Allele origin: germline.

GeneDx
Classification: Likely benign. Last evaluated: 2020-11-02. Review status: criteria provided, single submitter. Criteria: GeneDx Variant Classification Process June 2021. Collection method: clinical testing. Allele origin: germline. Affected: yes.
Comment: This variant is associated with the following publications: (PMID: 27212206, 25819062, 28820871)

Ambry Genetics
Classification: Likely benign for Cardiovascular phenotype. Last evaluated: 2019-03-11. Review status: criteria provided, single submitter. Criteria: Ambry Variant Classification Scheme 2023. Collection method: clinical testing. Allele origin: germline.

Illumina Laboratory Services, Illumina
Classification: Uncertain significance for DK1-congenital disorder of glycosylation. Last evaluated: 2017-04-27. Review status: criteria provided, single submitter. Criteria: ICSL Variant Classification Criteria 13 December 2019. Collection method: clinical testing. Allele origin: germline.
Comment: This variant was observed as part of a predisposition screen in an ostensibly healthy population. A literature search was performed for the gene, cDNA change, and amino acid change (where applicable). Publications were found based on this search. However, the evidence from the literature, in combination with allele frequency data from public databases where available, was not sufficient to rule this variant in or out of causing disease. Therefore, this variant is classified as a variant of unknown significance.

Laboratory for Molecular Medicine, Mass General Brigham Personalized Medicine
Classification: Likely benign. Last evaluated: 2015-04-13. Review status: criteria provided, single submitter. Criteria: LMM Criteria. Collection method: clinical testing. Allele origin: germline. Observed: 2 variant alleles.
Comment: p.Tyr360Cys in exon 1 of DOLK: This variant is not expected to have clinical sig nificance because it has been identified in 0.38% (44/11578) of Latino chromosom es by the Exome Aggregation Consortium (ExAC; db SNP rs138453255).

PreventionGenetics, part of Exact Sciences
Classification: Likely benign for DOLK-related condition. Last evaluated: 2019-04-30. Review status: no assertion criteria provided. Collection method: clinical testing. Allele origin: germline. Not counted in ClinVar's aggregate classification.
Comment: This variant is classified as likely benign based on ACMG/AMP sequence variant interpretation guidelines (Richards et al. 2015 PMID: 25741868, with internal and published modifications).

Literature cited by the submitters: PubMed 28820871 (cited by Mayo Clinic Laboratories, Mayo Clinic and Ambry Genetics); PubMed 35132093 (cited by Mayo Clinic Laboratories, Mayo Clinic); PubMed 25188385 (cited by Ambry Genetics); PubMed 25819062 (cited by Ambry Genetics and Illumina Laboratory Services, Illumina); PubMed 27212206 (cited by Ambry Genetics and Illumina Laboratory Services, Illumina).